The following is an entry in ClinVar:

ClinVar aggregate classification (germline): Uncertain significance (1 of 4 stars; one submission).

Submission:

Labcorp Genetics (formerly Invitae), Labcorp
Classification: Uncertain significance. Last evaluated: 2023-08-10. Review status: criteria provided, single submitter. Criteria: Invitae Variant Classification Sherloc (09022015). Collection method: clinical testing. Allele origin: germline.
Comment: This variant is not present in population databases (gnomAD no frequency). This variant has not been reported in the literature in individuals affected with FH-related conditions. ClinVar contains an entry for this variant (Variation ID: 1018142). Advanced modeling of protein sequence and biophysical properties (such as structural, functional, and spatial information, amino acid conservation, physicochemical variation, residue mobility, and thermodynamic stability) performed at Invitae indicates that this missense variant is expected to disrupt FH protein function. This sequence change replaces glycine, which is neutral and non-polar, with aspartic acid, which is acidic and polar, at codon 352 of the FH protein (p.Gly352Asp). In summary, the available evidence is currently insufficient to determine the role of this variant in disease. Therefore, it has been classified as a Variant of Uncertain Significance.

NM_000143.4(FH):c.1055G>A (p.Gly352Asp)

Gene: FH (fumarate hydratase; minus strand). Cytogenetic location: 1q43.
Variant type: single nucleotide variant.
Coding change: c.1055G>A on transcript NM_000143.4 (MANE Select); coding-DNA position 1055, G replaced by A.
Protein change: p.Gly352Asp; replaces glycine 352 with aspartic acid.
Molecular consequence: missense variant.
Genome position (GRCh38, 1-based): chr1:241,504,095, C>T on the plus strand (G>A on the coding strand, the complement: FH is on the minus strand). VCF-style: chr1-241504095-C-T. GRCh37 (hg19) VCF-style: chr1-241667395-C-T.
Other names: short protein forms G352D.
Identifiers: ClinVar variation 1018142 (VCV001018142.9), dbSNP rs1659850534, ClinGen allele CA345438118.